The following is an entry in ClinVar:

NC_012920.1(MT-CYB):m.15098A>G

Gene: MT-CYB (mitochondrially encoded cytochrome b; plus strand).
Variant type: single nucleotide variant.
Genome position: chrM-15098-A-G.
Identifiers: ClinVar variation 143875 (VCV000143875.3), dbSNP rs527236172, ClinGen allele CA170522.
Genomic context (GRCh38, chrMT:15,098, plus strand): 5'-ATCGGGCGAGGCCTATATTACGGATCATTTCTCTACTCAGAAACCTGAAACATCGGCATT[A>G]TCCTCCTGCTTGCAACTATAGCAACAGCCTTCATAGGCTATGTCCTCCCGTGAGGCCAAA-3'

ClinVar aggregate classification (germline): Likely benign. Review status: criteria provided, single submitter (1 of 4 stars). 2 submissions from 2 submitters: Likely benign (1). 1 of the submissions does not count toward it. Last evaluated 2019-10-17.

Conditions:
Ovarian neoplasm. Also called: Ovarian Neoplasms; Neoplasm of ovary; Ovarian tumor. Identifiers: MedGen C0919267, MeSH D010051, MONDO:0021068, HP:0100615.
Leigh syndrome (NULS). Also called: Leigh's syndrome; Leigh Syndrome (mtDNA deletion); Leigh Disease; Subacute necrotizing encephalopathy; Necrotizing encephalopathy infantile subacute of Leigh; LEIGH SYNDROME, NUCLEAR. Identifiers: Orphanet 506, MedGen C2931891, MONDO:0009723, OMIM 256000.

Submissions (2):

Wong Mito Lab, Molecular and Human Genetics, Baylor College of Medicine
Classification: Likely benign for Leigh syndrome. Last evaluated: 2019-10-17. Review status: criteria provided, single submitter. Criteria: Modified ACMG Guidelines (Unpublished). Collection method: clinical testing. Allele origin: germline.
Comment: The NC_012920.1:m.15098A>G (YP_003024038.1:p.Ile118Val) variant in MTCYB gene is interpretated to be a Likely Benign variant based on the modified ACMG guidelines (unpublished). This variant meets the following evidence codes: BS1, BP4

Department of Zoology Govt. MVM College
Classification: Likely pathogenic for Neoplasm of ovary. Review status: no assertion criteria provided. Collection method: not provided. Allele origin: unknown. Not counted in ClinVar's aggregate classification.
Comment: KM276951
ClinVar note: Converted during submission from probable-pathogenic to Likely pathogenic.